The following is an entry in ClinVar:

ClinVar aggregate classification (germline): Likely benign. Review status: criteria provided, multiple submitters, no conflicts (2 of 4 stars). 3 submissions from 3 submitters: Likely benign (3). Last evaluated 2024-10-23.

Conditions:
Acrocallosal syndrome (ACLS). Also called: Schinzel syndrome 1; Absence of corpus callosum with unusual facial appearance, mental deficiency, duplication of the halluces and polydactyly; HALLUX DUPLICATION, POSTAXIAL POLYDACTYLY, AND ABSENCE OF CORPUS CALLOSUM. Identifiers: Orphanet 36, MedGen C0796147, MONDO:0008708, OMIM 200990.

Allele frequency attached by ClinVar (database versions not stated): TOPMed below 0.00001; gnomAD 0.00002; gnomAD exomes 0.00006 and 0.00017; 1000 Genomes Project 30x 0.00016; 1000 Genomes Project 0.00020; ExAC 0.00032.
gnomAD v4.1: 93 of 1,551,784 alleles (0.006%); highest among the groups gnomAD compares: South Asian, 0.089%; no homozygotes.

Submissions (3):

Labcorp Genetics (formerly Invitae), Labcorp
Classification: Likely benign for Acrocallosal syndrome. Last evaluated: 2024-10-23. Review status: criteria provided, single submitter. Criteria: Invitae Variant Classification Sherloc (09022015). Collection method: clinical testing. Allele origin: germline.

CeGaT Center for Human Genetics Tuebingen
Classification: Likely benign. Last evaluated: 2023-07-01. Review status: criteria provided, single submitter. Criteria: CeGaT Center For Human Genetics Tuebingen Variant Classification Criteria Version 2. Collection method: clinical testing. Allele origin: germline. Affected: yes. Observed: 1 variant allele.
Comment: KIF7: BP4, BP7

Blueprint Genetics
Classification: Likely benign. Last evaluated: 2022-02-23. Review status: criteria provided, single submitter. Criteria: ACMG Guidelines, 2015. Collection method: clinical testing. Allele origin: germline.

NM_198525.3(KIF7):c.402C>T (p.Asn134=)

Gene: KIF7 (kinesin family member 7; minus strand). Cytogenetic location: 15q26.1.
Variant type: single nucleotide variant.
Coding change: c.402C>T on transcript NM_198525.3 (MANE Select); coding-DNA position 402, C replaced by T.
Protein change: p.Asn134=; no amino-acid change (asparagine 134 retained).
Molecular consequence: synonymous variant.
Genome position (GRCh38, 1-based): chr15:89,649,868, G>A on the plus strand (C>T on the coding strand, the complement: KIF7 is on the minus strand). VCF-style: chr15-89649868-G-A. GRCh37 (hg19) VCF-style: chr15-90193099-G-A.
Identifiers: ClinVar variation 1149421 (VCV001149421.33), dbSNP rs569704065, ClinGen allele CA7728638.